The following is an entry in ClinVar:

NM_001148.6(ANK2):c.8354C>T (p.Ser2785Leu)

Gene: ANK2 (ankyrin 2; plus strand). Cytogenetic location: 4q26.
Variant type: single nucleotide variant.
Coding change: c.8354C>T on transcript NM_001148.6 (MANE Select); coding-DNA position 8354, C replaced by T.
Protein change: p.Ser2785Leu; replaces serine 2785 with leucine.
Molecular consequence: missense variant. On other transcripts: intron variant (68).
Genome position (GRCh38, 1-based): chr4:113,356,972, C>T. VCF-style: chr4-113356972-C-T. GRCh37 (hg19) VCF-style: chr4-114278128-C-T.
Other names: c.8354C>T (NM_001148.5); c.8120C>T, p.Ser2707Leu (NM_001386142.1); c.4754C>T, p.Ser1585Leu (NM_001386166.1); c.8495C>T, p.Ser2832Leu (NM_001386174.1); c.8471C>T, p.Ser2824Leu (NM_001386175.1); c.4412-3851C>T (NM_001386186.2, NM_001386148.2); c.4214-3851C>T (NM_001354269.3); c.4292-3851C>T (NM_001386187.2); and 36 more; short protein forms S2785L, S1585L, S2707L, S2824L, S2832L.
Identifiers: ClinVar variation 191540 (VCV000191540.52), dbSNP rs145895389, ClinGen allele CA236950.

ClinVar aggregate classification (germline): Benign/Likely benign. Review status: criteria provided, multiple submitters, no conflicts (2 of 4 stars). 14 submissions from 14 submitters: Benign (2); Likely benign (9). 3 of the submissions do not count toward it. Last evaluated 2026-09-01.

Conditions:
ANK2-related disorder. Also called: ANK2-related condition.
Cardiovascular phenotype. Identifiers: MedGen CN230736.
Long QT syndrome (LQTS). Identifiers: MedGen C0023976, MeSH D008133, MONDO:0002442. Disease mechanism: loss of function. Inheritance: Various modes of inheritance.
Cardiac arrhythmia, ankyrin-B-related. Also called: ANKYRIN-B SYNDROME. Identifiers: Orphanet 101016, Orphanet 768, MedGen C1970119, MONDO:0010958, OMIM 600919.

Allele frequency attached by ClinVar (database versions not stated): 1000 Genomes Project 30x 0.00047; 1000 Genomes Project 0.00060; TOPMed 0.00143; gnomAD exomes 0.00161 and 0.00233; gnomAD 0.00164 and 0.00170; ESP Exome Variant Server 0.00177; ExAC 0.00187.
gnomAD v4.1: 3,664 of 1,613,964 alleles (0.23%); highest among the groups gnomAD compares: Non-Finnish European, 0.28%; 8 homozygotes.

Submissions (14):

CeGaT Center for Human Genetics Tuebingen
Classification: Likely benign. Last evaluated: 2026-09-01. Review status: criteria provided, single submitter. Criteria: CeGaT Center For Human Genetics Tuebingen Variant Classification Criteria Version 2. Collection method: clinical testing. Allele origin: germline. Affected: yes. Observed: 11 variant alleles.
Comment: ANK2: BP4, BS1

Labcorp Genetics (formerly Invitae), Labcorp
Classification: Benign for Long QT syndrome. Last evaluated: 2026-01-28. Review status: criteria provided, single submitter. Criteria: Invitae Variant Classification Sherloc (09022015). Collection method: clinical testing. Allele origin: germline.

Molecular Diagnostic Laboratory for Inherited Cardiovascular Disease, Montreal Heart Institute
Classification: Likely benign. Last evaluated: 2025-04-09. Review status: criteria provided, single submitter. Criteria: ACMG Guidelines, 2015. Collection method: clinical testing. Allele origin: germline. Affected: no.

Blueprint Genetics
Classification: Likely benign. Last evaluated: 2024-11-26. Review status: criteria provided, single submitter. Criteria: ACMG Guidelines, 2015. Collection method: clinical testing. Allele origin: germline.

Women's Health and Genetics/Laboratory Corporation of America, LabCorp
Classification: Likely benign. Last evaluated: 2024-07-28. Review status: criteria provided, single submitter. Criteria: LabCorp Variant Classification Summary - May 2015. Collection method: clinical testing. Allele origin: germline.

Ambry Genetics
Classification: Likely benign for Cardiovascular phenotype. Last evaluated: 2023-11-28. Review status: criteria provided, single submitter. Criteria: Ambry Variant Classification Scheme 2023. Collection method: clinical testing. Allele origin: germline.

Genome-Nilou Lab
Classification: Benign for Cardiac arrhythmia, ankyrin-B-related. Last evaluated: 2021-12-05. Review status: criteria provided, single submitter. Criteria: ACMG Guidelines, 2015. Collection method: clinical testing. Allele origin: germline. Affected: no.

GeneDx
Classification: Likely benign. Last evaluated: 2021-06-15. Review status: criteria provided, single submitter. Criteria: GeneDx Variant Classification Process June 2021. Collection method: clinical testing. Allele origin: germline. Affected: yes.

Illumina Laboratory Services, Illumina
Classification: Likely benign for Cardiac arrhythmia, ankyrin-B-related. Last evaluated: 2018-01-13. Review status: criteria provided, single submitter. Criteria: ICSL Variant Classification Criteria 13 December 2019. Collection method: clinical testing. Allele origin: germline.
Comment: This variant was observed in the ICSL laboratory as part of a predisposition screen in an ostensibly healthy population. It had not been previously curated by ICSL or reported in the Human Gene Mutation Database (HGMD: prior to June 1st, 2018), and was therefore a candidate for classification through an automated scoring system. Utilizing variant allele frequency, disease prevalence and penetrance estimates, and inheritance mode, an automated score was calculated to assess if this variant is too frequent to cause the disease. Based on the score and internal cut-off values, a variant classified as likely benign is not then subjected to further curation. The score for this variant resulted in a classification of likely benign for this disease.

Genome Diagnostics Laboratory, University Medical Center Utrecht
Classification: Likely benign for Cardiac arrhythmia, ankyrin-B-related. Last evaluated: 2014-10-09. Review status: criteria provided, single submitter. Criteria: ACGS Guidelines, 2013. Collection method: clinical testing. Allele origin: germline. Affected: yes. Study: VKGL Data-share Consensus.

Biesecker Lab/Clinical Genomics Section, National Institutes of Health
Classification: Likely benign. Last evaluated: 2013-06-24. Review status: criteria provided, single submitter. Criteria: Ng et al. (Circ Cardiovasc Genet. 2013). Collection method: research. Allele origin: unknown. Observed: 2 variant alleles. Study: ClinSeq.
Comment: The study set was not selected for affection status in relation to any cancer. Pathogenicity categories were based on literature curation. See Pubmed ID:23861362 for details.

Medical sequencing

PreventionGenetics, part of Exact Sciences
Classification: Likely benign for ANK2-related condition. Last evaluated: 2019-06-07. Review status: no assertion criteria provided. Collection method: clinical testing. Allele origin: germline. Not counted in ClinVar's aggregate classification.
Comment: This variant is classified as likely benign based on ACMG/AMP sequence variant interpretation guidelines (Richards et al. 2015 PMID: 25741868, with internal and published modifications).

Clinical Genetics, Academic Medical Center
Classification: Benign. Review status: no assertion criteria provided. Collection method: clinical testing. Allele origin: germline. Affected: yes. Study: VKGL Data-share Consensus. Not counted in ClinVar's aggregate classification.

Joint Genome Diagnostic Labs from Nijmegen and Maastricht, Radboudumc and MUMC+
Classification: Benign. Review status: no assertion criteria provided. Collection method: clinical testing. Allele origin: germline. Affected: yes. Study: VKGL Data-share Consensus. Not counted in ClinVar's aggregate classification.